The following is an entry in ClinVar:

NM_012156.2(EPB41L1):c.1844G>C (p.Ser615Thr)

Gene: EPB41L1 (erythrocyte membrane protein band 4.1 like 1; plus strand). Cytogenetic location: 20q11.23.
Variant type: single nucleotide variant.
Coding change: c.1844G>C on transcript NM_012156.2 (MANE Select); coding-DNA position 1844, G replaced by C.
Protein change: p.Ser615Thr; replaces serine 615 with threonine.
Molecular consequence: missense variant. On other transcripts: intron variant (1).
Genome position (GRCh38, 1-based): chr20:36,209,663, G>C. VCF-style: chr20-36209663-G-C. GRCh37 (hg19) VCF-style: chr20-34797585-G-C.
Other names: c.1844G>C, p.Ser615Thr (NM_001258329.1); c.1622G>C, p.Ser541Thr (NM_001258331.2, NM_177996.2); c.1540-2609G>C (NM_001258330.1); short protein forms S541T, S615T.
Identifiers: ClinVar variation 561007 (VCV000561007.2), dbSNP rs1569330133, ClinGen allele CA408797986.

ClinVar aggregate classification (germline): Uncertain significance (1 of 4 stars; one submission).

Conditions:
Intellectual disability, autosomal dominant 11. Identifiers: MedGen C3280285, MONDO:0013658, OMIM 614257.

Submission:

Baylor Genetics
Classification: Uncertain significance for Intellectual disability, autosomal dominant 11. Last evaluated: 2017-09-01. Review status: criteria provided, single submitter. Criteria: ACMG Guidelines, 2015. Collection method: clinical testing. Allele origin: de novo. Inheritance: Autosomal dominant inheritance. Affected: yes.

Literature cited by the submitters: PubMed 25326635.